The following is an entry in ClinVar:

ClinVar aggregate classification (germline): Uncertain significance (1 of 4 stars; one submission).

Submission:

Labcorp Genetics (formerly Invitae), Labcorp
Classification: Uncertain significance. Last evaluated: 2021-04-14. Review status: criteria provided, single submitter. Criteria: Invitae Variant Classification Sherloc (09022015). Collection method: clinical testing. Allele origin: germline.
Comment: This sequence change replaces valine with leucine at codon 1226 of the TONSL protein (p.Val1226Leu). The valine residue is highly conserved and there is a small physicochemical difference between valine and leucine. This variant is not present in population databases (ExAC no frequency). This variant has not been reported in the literature in individuals with TONSL-related conditions. Algorithms developed to predict the effect of missense changes on protein structure and function are either unavailable or do not agree on the potential impact of this missense change (SIFT: "Deleterious"; PolyPhen-2: "Benign"; Align-GVGD: "Class C0"). In summary, the available evidence is currently insufficient to determine the role of this variant in disease. Therefore, it has been classified as a Variant of Uncertain Significance.

NM_013432.5(TONSL):c.3676G>C (p.Val1226Leu)

Gene: TONSL (tonsoku like, DNA repair protein; minus strand). Cytogenetic location: 8q24.3.
Variant type: single nucleotide variant.
Coding change: c.3676G>C on transcript NM_013432.5 (MANE Select); coding-DNA position 3676, G replaced by C.
Protein change: p.Val1226Leu; replaces valine 1226 with leucine.
Molecular consequence: missense variant.
Genome position (GRCh38, 1-based): chr8:144,432,344, C>G on the plus strand (G>C on the coding strand, the complement: TONSL is on the minus strand). VCF-style: chr8-144432344-C-G. GRCh37 (hg19) VCF-style: chr8-145657727-C-G.
Other names: short protein forms V1226L.
Identifiers: ClinVar variation 1411115 (VCV001411115.8), dbSNP rs781946714, ClinGen allele CA372641371.
Genomic context (GRCh38, chr8:144,432,344, plus strand): 5'-CCTTGGCCAGGTATCGGAATACAGGCTCCATGAGGTCCGAATCACCCTTGCCGGCTGCCA[C>G]GGAGCTGAGCTCTAAGTGCAGGAGGGTGCCGGCGGGCAGGCTCTGCAGGGTCCTGGCCAG-3'
Protein context (NP_038460.4, residues 1216-1236): GTLLHLELSS[Val1226Leu]AAGKGDSDLM